The following is an entry in ClinVar:

NM_177965.4(CFAP418):c.172A>T (p.Lys58Ter)

Gene: CFAP418 (cilia and flagella associated protein 418; minus strand). Cytogenetic location: 8q22.1.
Variant type: single nucleotide variant.
Coding change: c.172A>T on transcript NM_177965.4 (MANE Select); coding-DNA position 172, A replaced by T.
Protein change: p.Lys58Ter; replaces lysine 58 with a stop codon.
Molecular consequence: nonsense.
Genome position (GRCh38, 1-based): chr8:95,263,758, T>A on the plus strand (A>T on the coding strand, the complement: CFAP418 is on the minus strand). VCF-style: chr8-95263758-T-A. GRCh37 (hg19) VCF-style: chr8-96275986-T-A.
Other names: c.172A>T, p.Lys58Ter (NM_001363260.1); short protein forms K58*.
Identifiers: ClinVar variation 4987730 (VCV004987730.1).

ClinVar aggregate classification (germline): Uncertain significance (1 of 4 stars; one submission).

Conditions:
CFAP418-related disorder. Also called: CFAP418-related condition.

Submission:

PreventionGenetics, part of Exact Sciences
Classification: Uncertain significance for CFAP418-related condition. Last evaluated: 2024-12-09. Review status: criteria provided, single submitter. Criteria: ACMG Guidelines, 2015. Collection method: clinical testing. Allele origin: germline.
Comment: The CFAP418 c.172A>T variant is predicted to result in premature protein termination (p.Lys58*). To our knowledge, this variant has not been reported in the literature. This variant is reported in 0.00088% of alleles in individuals of European (Non-Finnish) descent in gnomAD. At this time, the clinical significance of this variant is uncertain due to the absence of conclusive functional and genetic evidence.